The following is an entry in ClinVar:

NM_014946.4(SPAST):c.*3013T>C

Gene: SPAST (spastin; plus strand). Cytogenetic location: 2p22.3.
Variant type: single nucleotide variant.
Coding change: c.*3013T>C on transcript NM_014946.4 (MANE Select); 3013 bases downstream of the stop codon, T replaced by C.
Molecular consequence: 3 prime UTR variant.
Genome position (GRCh38, 1-based): chr2:32,157,509, T>C. VCF-style: chr2-32157509-T-C. GRCh37 (hg19) VCF-style: chr2-32382578-T-C.
Other names: c.*3013T>C (NM_001363823.2, NM_001363875.2, NM_199436.2); c.*3137T>C (NM_001377959.1).
Identifiers: ClinVar variation 335892 (VCV000335892.5), dbSNP rs72796870, ClinGen allele CA10615138.
Genomic context (GRCh38, chr2:32,157,509, plus strand): 5'-TAATTCTTTTGGTAAAATGAACCATTTACAGTTCGGTTTTGGACTCTGAGTCAAAGGATT[T>C]TCCTTTAAATGCTTGTCTCAATTTTAGTCTGGTCTTTTGTACTTTTCTTCAGAAGAAATG-3'

ClinVar aggregate classification (germline): Benign (1 of 4 stars; one submission).

Conditions:
Hereditary spastic paraplegia 4. Also called: Spastic paraplegia 4, autosomal dominant; Spastic Paraplegia 4; Familial spastic paraplegia autosomal dominant 2. Identifiers: Orphanet 100985, MedGen C1866855, MONDO:0008438, OMIM 182601.

Allele frequency attached by ClinVar (database versions not stated): 1000 Genomes Project 30x 0.00671; 1000 Genomes Project 0.00719; TOPMed 0.01461; gnomAD 0.01986 and 0.02059; gnomAD exomes 0.06808.
gnomAD v4.1: 3,023 of 152,750 alleles (2%); highest among the groups gnomAD compares: Non-Finnish European, 3%; 59 homozygotes.

Submission:

Illumina Laboratory Services, Illumina
Classification: Benign for Hereditary spastic paraplegia 4. Last evaluated: 2018-01-13. Review status: criteria provided, single submitter. Criteria: ICSL Variant Classification Criteria 13 December 2019. Collection method: clinical testing. Allele origin: germline.
Comment: This variant was observed in the ICSL laboratory as part of a predisposition screen in an ostensibly healthy population. It had not been previously curated by ICSL or reported in the Human Gene Mutation Database (HGMD: prior to June 1st, 2018), and was therefore a candidate for classification through an automated scoring system. Utilizing variant allele frequency, disease prevalence and penetrance estimates, and inheritance mode, an automated score was calculated to assess if this variant is too frequent to cause the disease. Based on the score and internal cut-off values, a variant classified as benign is not then subjected to further curation. The score for this variant resulted in a classification of benign for this disease.